The following is an entry in ClinVar:

NM_000132.4(F8):c.6278A>G (p.Asp2093Gly)

Gene: F8 (coagulation factor VIII; minus strand). Cytogenetic location: Xq28.
Variant type: single nucleotide variant.
Coding change: c.6278A>G on transcript NM_000132.4 (MANE Select); coding-DNA position 6278, A replaced by G.
Protein change: p.Asp2093Gly; replaces aspartic acid 2093 with glycine.
Molecular consequence: missense variant.
Genome position (GRCh38, 1-based): chrX:154,896,228, T>C on the plus strand (A>G on the coding strand, the complement: F8 is on the minus strand). VCF-style: chrX-154896228-T-C. GRCh37 (hg19) VCF-style: chrX-154124503-T-C.
Other names: F8, ASP2074GLY; D2074G; short protein forms D2093G.
Identifiers: ClinVar variation 10308 (VCV000010308.3), dbSNP rs137852457, ClinGen allele CA255201.
Genomic context (GRCh38, chrX:154,896,228, plus strand): 5'-GAGAACTTCTGACGGGCACCCTGGGTCTTGATGCCGTGAATAATCATTGGTGCCAACAGA[T>C]CCACCTACCAATTAAAATAACACTTTATTTTAACCTATTTTTAAATGTATGTGCTACCTC-3'
Protein context (NP_000123.1, residues 2083-2103): TKEPFSWIKV[Asp2093Gly]LLAPMIIHGI

ClinVar aggregate classification (germline): Likely pathogenic. Review status: criteria provided, single submitter (1 of 4 stars). 2 submissions from 2 submitters: Likely pathogenic (1). 1 of the submissions does not count toward it. Last evaluated 2025-05-29.

Conditions:
Hereditary factor VIII deficiency disease (HEMA). Also called: AUTOSOMAL HEMOPHILIA A; Hemophilia A, congenital; HEM A; Factor 8 deficiency, congenital; HEMOPHILIA, CLASSIC; Hemophilia A. Identifiers: Orphanet 98878, MedGen C0019069, MONDO:0010602, OMIM 306700.

Submissions (2):

Dasa
Classification: Likely pathogenic. Last evaluated: 2025-05-29. Review status: criteria provided, single submitter. Criteria: DASA Assertion Criteria. Collection method: clinical testing. Allele origin: germline.
Comment: NM_000132.4(F8):c.6278A>G (p.Asp2093Gly) is a missense variant that results in the substitution of aspartic acid with glycine. The affected residue or protein region has prior evidence supporting clinical relevance. This variant has been recurrently observed in individuals with F8-related disorders (PMID: 32026663; PMID: 28490568; PMID: 23926300; PMID: 25139352; PMID: 38578179). Functional evidence supports an impact on the gene or gene product (PMID: 32026663; PMID: 28490568; PMID: 23926300; PMID: 25139352; PMID: 38578179). Also, this variant is absent from population databases. Computational evidence supports a deleterious effect. Based on the currently available evidence, this variant is classified as likely pathogenic.

OMIM
Classification: Pathogenic for HEMOPHILIA A. Last evaluated: 1995-01-01. Review status: no assertion criteria provided. Collection method: literature only. Allele origin: germline. Not counted in ClinVar's aggregate classification.

Literature cited by the submitters: PubMed 32026663 (cited by Dasa); PubMed 28490568 (cited by Dasa); PubMed 23926300 (cited by Dasa); PubMed 25139352 (cited by Dasa); PubMed 38578179 (cited by Dasa); PubMed 32211572 (cited by Dasa); PubMed 7728145 (cited by OMIM).